The following is an entry in ClinVar:

NM_006206.6(PDGFRA):c.189A>G (p.Glu63=)

Gene: PDGFRA (platelet derived growth factor receptor alpha; plus strand). Cytogenetic location: 4q12.
Variant type: single nucleotide variant.
Coding change: c.189A>G on transcript NM_006206.6 (MANE Select); coding-DNA position 189, A replaced by G.
Protein change: p.Glu63=; no amino-acid change (glutamic acid 63 retained).
Molecular consequence: synonymous variant.
Genome position (GRCh38, 1-based): chr4:54,261,234, A>G. VCF-style: chr4-54261234-A-G. GRCh37 (hg19) VCF-style: chr4-55127401-A-G.
Other names: c.189A>G (NM_006206.4); c.189A>G, p.Glu63= (NM_001347827.2, NM_001347829.2); c.264A>G, p.Glu88= (NM_001347828.2); c.228A>G, p.Glu76= (NM_001347830.2).
Identifiers: ClinVar variation 1135664 (VCV001135664.11), dbSNP rs753972328, ClinGen allele CA2922241.

ClinVar aggregate classification (germline): Benign/Likely benign. Review status: criteria provided, multiple submitters, no conflicts (2 of 4 stars). 3 submissions from 3 submitters: Benign (1); Likely benign (2). Last evaluated 2026-06-16.

Conditions:
Polyps, multiple and recurrent inflammatory fibroid, gastrointestinal. Identifiers: MedGen C5193005, MONDO:0008285, OMIM 175510.
Hereditary cancer-predisposing syndrome. Also called: Tumor predisposition; Hereditary Cancer Syndrome; Hereditary neoplastic syndrome; Neoplastic Syndromes, Hereditary. Identifiers: Orphanet 140162, MedGen C0027672, MeSH D009386, MONDO:0015356.
Gastrointestinal stromal tumor. Also called: Gastrointestinal stroma tumor; Gastrointestinal stromal tumor, somatic. Identifiers: Orphanet 44890, MedGen C0238198, MeSH D046152, MONDO:0011719, OMIM 606764, HP:0100723.

Allele frequency attached by ClinVar (database versions not stated): gnomAD exomes 0.00001 and 0.00002; ExAC 0.00003.
gnomAD v4.1: 5 of 1,614,132 alleles (0.00031%); highest among the groups gnomAD compares: Non-Finnish European, 0.00017%; no homozygotes.

Submissions (3):

Myriad Genetics, Inc.
Classification: Benign for Polyps, multiple and recurrent inflammatory fibroid, gastrointestinal. Last evaluated: 2026-06-16. Review status: criteria provided, single submitter. Criteria: Myriad Autosomal Dominant, Autosomal Recessive and X-Linked Classification Criteria (2023). Collection method: clinical testing. Allele origin: unknown.
Comment: This variant is considered benign. This variant is a silent/synonymous amino acid change and it is not expected to impact splicing.

Labcorp Genetics (formerly Invitae), Labcorp
Classification: Likely benign for Gastrointestinal stromal tumor. Last evaluated: 2025-02-02. Review status: criteria provided, single submitter. Criteria: Invitae Variant Classification Sherloc (09022015). Collection method: clinical testing. Allele origin: germline.

Ambry Genetics
Classification: Likely benign for Hereditary cancer-predisposing syndrome. Last evaluated: 2024-08-21. Review status: criteria provided, single submitter. Criteria: Ambry Variant Classification Scheme 2023. Collection method: clinical testing. Allele origin: germline.